The following is an entry in ClinVar:

NM_145262.4(GLYCTK):c.425C>T (p.Ala142Val)

Gene: GLYCTK (glycerate kinase; plus strand). Cytogenetic location: 3p21.2.
Variant type: single nucleotide variant.
Coding change: c.425C>T on transcript NM_145262.4 (MANE Select); coding-DNA position 425, C replaced by T.
Protein change: p.Ala142Val; replaces alanine 142 with valine.
Molecular consequence: missense variant. On other transcripts: non-coding transcript variant (4).
Genome position (GRCh38, 1-based): chr3:52,291,007, C>T. VCF-style: chr3-52291007-C-T. GRCh37 (hg19) VCF-style: chr3-52325023-C-T.
Other names: p.Ala142Val; c.425C>T, p.Ala142Val (NM_001144951.2); short protein forms A142V.
Identifiers: ClinVar variation 3236393 (VCV003236393.2), dbSNP rs762737029, ClinGen allele CA2432074.

ClinVar aggregate classification (germline): Uncertain significance (1 of 4 stars; one submission).

Conditions:
D-Glyceric aciduria. Also called: GLYCERATE KINASE DEFICIENCY; Deficiency of glycerate kinase. Identifiers: Orphanet 941, MedGen C0342765, MONDO:0009070, OMIM 220120.

Allele frequency attached by ClinVar (database versions not stated): gnomAD 0.00003.
gnomAD v4.1: 22 of 1,613,846 alleles (0.0014%); highest among the groups gnomAD compares: East Asian, 0.013%; no homozygotes.

Submission:

Foundation for Research in Genetics and Endocrinology, FRIGE's Institute of Human Genetics
Classification: Uncertain significance for D-Glyceric aciduria. Last evaluated: 2024-05-16. Review status: criteria provided, single submitter. Criteria: ACMG Guidelines, 2015. Collection method: clinical testing. Allele origin: germline. Inheritance: Autosomal recessive inheritance. Affected: yes. Observed: 1 homozygote.
Comment: A homozygous missense variant in exon 3 of the GLYCTK gene that results in the amino acid substitution of Valine for Alanine at codon 142 (p.Ala142Val) was detected. This variant has not been reported in the 1000 genomes databases and has a minor allele frequency of 0.00329%, 0.00199% and 0.00151% in the gnomAD (v3.1), gnomdAD (v2.1) and topmed databases respectively. The in silico prediction the variant is probably damaging by PolyPhen-2 (HumDiv) and damaging by SIFT and MutationTaster2. The reference codon is conserved across species. In summary, the variant meets our criteria to be classified as variant of uncertain significance.